The following is an entry in ClinVar:

ClinVar aggregate classification (germline): Uncertain significance (1 of 4 stars; one submission).

Conditions:
Cardiovascular phenotype. Identifiers: MedGen CN230736.

Allele frequency attached by ClinVar (database versions not stated): ExAC 0.00001; gnomAD exomes 0.00001 and 0.00004.
gnomAD v4.1: 61 of 1,613,986 alleles (0.0038%); highest among the groups gnomAD compares: Non-Finnish European, 0.0048%; no homozygotes.

Submission:

Ambry Genetics
Classification: Uncertain significance for Cardiovascular phenotype. Last evaluated: 2019-09-16. Review status: criteria provided, single submitter. Criteria: Ambry Variant Classification Scheme 2023. Collection method: clinical testing. Allele origin: germline.
Comment: The p.S3760L variant (also known as c.11279C>T), located in coding exon 26 of the APOB gene, results from a C to T substitution at nucleotide position 11279. The serine at codon 3760 is replaced by leucine, an amino acid with dissimilar properties. This amino acid position is not well conserved in available vertebrate species. In addition, this alteration is predicted to be tolerated by in silico analysis. Since supporting evidence is limited at this time, the clinical significance of this alteration remains unclear.

NM_000384.3(APOB):c.11279C>T (p.Ser3760Leu)

Gene: APOB (apolipoprotein B; minus strand). Cytogenetic location: 2p24.1.
Variant type: single nucleotide variant.
Coding change: c.11279C>T on transcript NM_000384.3 (MANE Select); coding-DNA position 11279, C replaced by T.
Protein change: p.Ser3760Leu; replaces serine 3760 with leucine.
Molecular consequence: missense variant.
Genome position (GRCh38, 1-based): chr2:21,005,589, G>A on the plus strand (C>T on the coding strand, the complement: APOB is on the minus strand). VCF-style: chr2-21005589-G-A. GRCh37 (hg19) VCF-style: chr2-21228461-G-A.
Other names: short protein forms S3760L.
Identifiers: ClinVar variation 922781 (VCV000922781.5), dbSNP rs779036508, ClinGen allele CA046089.